The following is an entry in ClinVar:

NM_015215.4(CAMTA1):c.4820A>T (p.Tyr1607Phe)

Gene: CAMTA1 (calmodulin binding transcription activator 1; plus strand). Cytogenetic location: 1p36.23.
Variant type: single nucleotide variant.
Coding change: c.4820A>T on transcript NM_015215.4 (MANE Select); coding-DNA position 4820, A replaced by T.
Protein change: p.Tyr1607Phe; replaces tyrosine 1607 with phenylalanine.
Molecular consequence: missense variant.
Genome position (GRCh38, 1-based): chr1:7,751,329, A>T. VCF-style: chr1-7751329-A-T. GRCh37 (hg19) VCF-style: chr1-7811389-A-T.
Other names: c.4730A>T, p.Tyr1577Phe (NM_001349608.2); c.4502A>T, p.Tyr1501Phe (NM_001349609.2, NM_001349610.2); c.4412A>T, p.Tyr1471Phe (NM_001349612.2); c.1949A>T, p.Tyr650Phe (NM_001349613.1); c.1913A>T, p.Tyr638Phe (NM_001349614.1, NM_001349615.2, NM_001349616.2); c.1892A>T, p.Tyr631Phe (NM_001349617.1, NM_001349618.2); c.1574A>T, p.Tyr525Phe (NM_001349619.2, NM_001349620.1, NM_001349621.1 and 1 more transcripts); c.1553A>T, p.Tyr518Phe (NM_001349623.1, NM_001349624.3, NM_001349625.2 and 1 more transcripts); and 2 more; short protein forms Y1470F, Y1471F, Y1494F, Y1501F, Y1577F, Y1607F, Y518F, Y525F.
Identifiers: ClinVar variation 4976270 (VCV004976270.1).

ClinVar aggregate classification (germline): Uncertain significance (1 of 4 stars; one submission).

gnomAD v4.1: 1 of 1,611,340 alleles (0.000062%); highest among the groups gnomAD compares: African/African-American, 0.0013%; no homozygotes.

Submission:

GeneDx
Classification: Uncertain significance. Last evaluated: 2026-02-14. Review status: criteria provided, single submitter. Criteria: GeneDx Variant Classification Process June 2021. Collection method: clinical testing. Allele origin: germline.
Comment: Not observed at significant frequency in large population cohorts (gnomAD); In silico analysis supports that this missense variant has a deleterious effect on protein structure/function; Has not been previously published as pathogenic or benign to our knowledge